The following is an entry in ClinVar:

ClinVar aggregate classification (germline): Likely benign (1 of 4 stars; one submission).

Submission:

GeneDx
Classification: Likely benign. Last evaluated: 2017-11-16. Review status: criteria provided, single submitter. Criteria: GeneDx Variant Classification (06012015). Collection method: clinical testing. Allele origin: germline. Affected: yes.
Comment: This variant is considered likely benign or benign based on one or more of the following criteria: it is a conservative change, it occurs at a poorly conserved position in the protein, it is predicted to be benign by multiple in silico algorithms, and/or has population frequency not consistent with disease.

NM_015443.4(KANSL1):c.134C>T (p.Ala45Val)

Gene: KANSL1 (KAT8 regulatory NSL complex subunit 1). Cytogenetic location: 17q21.31.
Variant type: single nucleotide variant.
Coding change: c.134C>T on transcript NM_015443.4 (MANE Select); coding-DNA position 134, C replaced by T.
Protein change: p.Ala45Val; replaces alanine 45 with valine.
Molecular consequence: missense variant.
Genome position (GRCh38, 1-based): chr17:46,172,010, G>A on the plus strand (C>T on the coding strand, the complement: KANSL1 is on the minus strand). VCF-style: chr17-46172010-G-A. GRCh37 (hg19) VCF-style: chr17-44249376-G-A.
Other names: c.134C>T, p.Ala45Val (NM_001193465.2, NM_001193466.2, NM_001379198.1); short protein forms A45V.
Identifiers: ClinVar variation 513363 (VCV000513363.1), dbSNP rs1555576198, ClinGen allele CA399982913.